The following is an entry in ClinVar:

NM_001394372.1(BICRA):c.102C>T (p.Leu34=)

Gene: BICRA (BRD4 interacting chromatin remodeling complex associated protein; plus strand). Cytogenetic location: 19q13.33.
Variant type: single nucleotide variant.
Coding change: c.102C>T on transcript NM_001394372.1 (MANE Select); coding-DNA position 102, C replaced by T.
Protein change: p.Leu34=; no amino-acid change (leucine 34 retained).
Molecular consequence: synonymous variant.
Genome position (GRCh38, 1-based): chr19:47,675,868, C>T. VCF-style: chr19-47675868-C-T. GRCh37 (hg19) VCF-style: chr19-48179125-C-T.
Other names: c.102C>T, p.Leu34= (NM_015711.3).
Identifiers: ClinVar variation 1335354 (VCV001335354.37), dbSNP rs187227564, ClinGen allele CA9541546.

ClinVar aggregate classification (germline): Benign/Likely benign. Review status: criteria provided, multiple submitters, no conflicts (2 of 4 stars). 3 submissions from 3 submitters: Benign (1); Likely benign (2). Last evaluated 2026-06-01.

Allele frequency attached by ClinVar (database versions not stated): 1000 Genomes Project 0.00080; 1000 Genomes Project 30x 0.00109; TOPMed 0.00280; gnomAD 0.00337 and 0.00344; gnomAD exomes 0.00354 and 0.00360; ESP Exome Variant Server 0.00359; ExAC 0.00433.
gnomAD v4.1: 5,738 of 1,608,042 alleles (0.36%); highest among the groups gnomAD compares: Non-Finnish European, 0.37%; 18 homozygotes.

Submissions (3):

CeGaT Center for Human Genetics Tuebingen
Classification: Benign. Last evaluated: 2026-06-01. Review status: criteria provided, single submitter. Criteria: CeGaT Center For Human Genetics Tuebingen Variant Classification Criteria Version 2. Collection method: clinical testing. Allele origin: germline. Affected: yes. Observed: 15 variant alleles.
Comment: BICRA: BP4, BP7, BS1, BS2

Blueprint Genetics
Classification: Likely benign. Last evaluated: 2024-11-28. Review status: criteria provided, single submitter. Criteria: ACMG Guidelines, 2015. Collection method: clinical testing. Allele origin: germline.

Breakthrough Genomics
Classification: Likely benign. Review status: criteria provided, single submitter. Criteria: ACMG Guidelines, 2015. Collection method: not provided. Allele origin: germline. Inheritance: Autosomal dominant inheritance. Affected: yes.